The following is an entry in ClinVar:

NM_002878.4(RAD51D):c.677T>C (p.Leu226Ser)

Genes: RAD51D (RAD51 paralog D; minus strand), RAD51L3-RFFL (RAD51L3-RFFL readthrough; minus strand). Cytogenetic location: 17q12.
Variant type: single nucleotide variant.
Coding change: c.677T>C on transcript NM_002878.4 (MANE Select); coding-DNA position 677, T replaced by C.
Protein change: p.Leu226Ser; replaces leucine 226 with serine.
Molecular consequence: missense variant. On other transcripts: non-coding transcript variant (3).
Genome position (GRCh38, 1-based): chr17:35,103,315, A>G on the plus strand (T>C on the coding strand, the complement: RAD51D is on the minus strand). VCF-style: chr17-35103315-A-G. GRCh37 (hg19) VCF-style: chr17-33430334-A-G.
Other names: c.737T>C, p.Leu246Ser (NM_001142571.2); c.341T>C, p.Leu114Ser (NM_133629.3); short protein forms L226S, L246S, L114S.
Identifiers: ClinVar variation 3312397 (VCV003312397.1).

ClinVar aggregate classification (germline): Uncertain significance (1 of 4 stars; one submission).

Conditions:
Hereditary cancer-predisposing syndrome. Also called: Neoplastic Syndromes, Hereditary; Tumor predisposition; Hereditary neoplastic syndrome; Hereditary Cancer Syndrome. Identifiers: Orphanet 140162, MedGen C0027672, MeSH D009386, MONDO:0015356.

Submission:

Ambry Genetics
Classification: Uncertain significance for Hereditary cancer-predisposing syndrome. Last evaluated: 2024-03-22. Review status: criteria provided, single submitter. Criteria: Ambry Variant Classification Scheme 2023. Collection method: clinical testing. Allele origin: germline.
Comment: The p.L226S variant (also known as c.677T>C), located in coding exon 8 of the RAD51D gene, results from a T to C substitution at nucleotide position 677. The leucine at codon 226 is replaced by serine, an amino acid with dissimilar properties. This amino acid position is highly conserved in available vertebrate species. In addition, this alteration is predicted to be tolerated by in silico analysis. Based on the available evidence, the clinical significance of this alteration remains unclear.